The following is an entry in ClinVar:

NM_006785.4(MALT1):c.664G>A (p.Val222Ile)

Gene: MALT1 (MALT1 paracaspase; plus strand). Cytogenetic location: 18q21.32.
Variant type: single nucleotide variant.
Coding change: c.664G>A on transcript NM_006785.4 (MANE Select); coding-DNA position 664, G replaced by A.
Protein change: p.Val222Ile; replaces valine 222 with isoleucine.
Molecular consequence: missense variant.
Genome position (GRCh38, 1-based): chr18:58,709,392, G>A. VCF-style: chr18-58709392-G-A. GRCh37 (hg19) VCF-style: chr18-56376624-G-A.
Other names: c.664G>A, p.Val222Ile (NM_173844.3); short protein forms V222I.
Identifiers: ClinVar variation 1025051 (VCV001025051.4), dbSNP rs756127486, ClinGen allele CA8977697.

ClinVar aggregate classification (germline): Uncertain significance (1 of 4 stars; one submission).

Conditions:
Combined immunodeficiency due to MALT1 deficiency. Also called: Immunodeficiency 12. Identifiers: Orphanet 397964, MedGen C3809583, MONDO:0014197, OMIM 615468.

Allele frequency attached by ClinVar (database versions not stated): gnomAD 0.00002; gnomAD exomes 0.00004 and 0.00022; TOPMed 0.00007; ExAC 0.00024.
gnomAD v4.1: 65 of 1,583,156 alleles (0.0041%); highest among the groups gnomAD compares: Admixed American, 0.11%; no homozygotes.

Submission:

Labcorp Genetics (formerly Invitae), Labcorp
Classification: Uncertain significance for Combined immunodeficiency due to MALT1 deficiency. Last evaluated: 2022-08-19. Review status: criteria provided, single submitter. Criteria: Invitae Variant Classification Sherloc (09022015). Collection method: clinical testing. Allele origin: germline.
Comment: This sequence change replaces valine, which is neutral and non-polar, with isoleucine, which is neutral and non-polar, at codon 222 of the MALT1 protein (p.Val222Ile). This variant is present in population databases (rs756127486, gnomAD 0.2%). This variant has not been reported in the literature in individuals affected with MALT1-related conditions. ClinVar contains an entry for this variant (Variation ID: 1025051). Algorithms developed to predict the effect of missense changes on protein structure and function output the following: SIFT: "Tolerated"; PolyPhen-2: "Benign"; Align-GVGD: "Class C0". The isoleucine amino acid residue is found in multiple mammalian species, which suggests that this missense change does not adversely affect protein function. In summary, the available evidence is currently insufficient to determine the role of this variant in disease. Therefore, it has been classified as a Variant of Uncertain Significance.